The following is an entry in ClinVar:

NM_015294.6(TRIM37):c.533G>A (p.Arg178His)

Gene: TRIM37 (tripartite motif containing 37; minus strand). Cytogenetic location: 17q22.
Variant type: single nucleotide variant.
Coding change: c.533G>A on transcript NM_015294.6 (MANE Select); coding-DNA position 533, G replaced by A.
Protein change: p.Arg178His; replaces arginine 178 with histidine.
Molecular consequence: missense variant. On other transcripts: 5 prime UTR variant (1), non-coding transcript variant (2).
Genome position (GRCh38, 1-based): chr17:59,079,837, C>T on the plus strand (G>A on the coding strand, the complement: TRIM37 is on the minus strand). VCF-style: chr17-59079837-C-T. GRCh37 (hg19) VCF-style: chr17-57157198-C-T.
Other names: c.533G>A, p.Arg178His (NM_001005207.5, NM_001320988.3, NM_001320989.3 and 2 more transcripts); c.431G>A, p.Arg144His (NM_001320987.3, NM_001353082.2); c.167G>A, p.Arg56His (NM_001320990.3); c.-220G>A (NM_001353083.2); c.71G>A, p.Arg24His (NM_001353085.2); short protein forms R144H, R24H, R178H, R56H.
Identifiers: ClinVar variation 3461298 (VCV003461298.14).

ClinVar aggregate classification (germline): Uncertain significance. Review status: criteria provided, multiple submitters, no conflicts (2 of 4 stars). 2 submissions from 2 submitters: Uncertain significance (2). Last evaluated 2025-02-01.

Conditions:
Inborn genetic diseases. Identifiers: MedGen C0950123, MeSH D030342.

Submissions (2):

CeGaT Center for Human Genetics Tuebingen
Classification: Uncertain significance. Last evaluated: 2025-02-01. Review status: criteria provided, single submitter. Criteria: CeGaT Center For Human Genetics Tuebingen Variant Classification Criteria Version 2. Collection method: clinical testing. Allele origin: germline. Affected: yes. Observed: 1 variant allele.
Comment: TRIM37: PM2, PP3

Ambry Genetics
Classification: Uncertain significance for Inborn genetic diseases. Last evaluated: 2024-08-07. Review status: criteria provided, single submitter. Criteria: Ambry Variant Classification Scheme 2023. Collection method: clinical testing. Allele origin: germline.